The following is an entry in ClinVar:

NM_173500.4(TTBK2):c.2356T>G (p.Ser786Ala)

Gene: TTBK2 (tau tubulin kinase 2; minus strand). Cytogenetic location: 15q15.2.
Variant type: single nucleotide variant.
Coding change: c.2356T>G on transcript NM_173500.4 (MANE Select); coding-DNA position 2356, T replaced by G.
Protein change: p.Ser786Ala; replaces serine 786 with alanine.
Molecular consequence: missense variant.
Genome position (GRCh38, 1-based): chr15:42,752,890, A>C on the plus strand (T>G on the coding strand, the complement: TTBK2 is on the minus strand). VCF-style: chr15-42752890-A-C. GRCh37 (hg19) VCF-style: chr15-43045088-A-C.
Other names: short protein forms S786A.
Identifiers: ClinVar variation 1807143 (VCV001807143.2), dbSNP rs924397428, ClinGen allele CA269927867.

ClinVar aggregate classification (germline): Uncertain significance (1 of 4 stars; one submission).

Allele frequency attached by ClinVar (database versions not stated): gnomAD 0.00001; gnomAD exomes 0.00001; TOPMed 0.00001.
gnomAD v4.1: 15 of 1,613,856 alleles (0.00093%); highest among the groups gnomAD compares: African/African-American, 0.0013%; no homozygotes.

Submission:

Athena Diagnostics
Classification: Uncertain significance. Last evaluated: 2022-12-08. Review status: criteria provided, single submitter. Criteria: Athena Diagnostics Criteria. Collection method: clinical testing. Allele origin: unknown.
Comment: Available data are insufficient to determine the clinical significance of the variant at this time. The frequency of this variant in the general population is uninformative in assessment of its pathogenicity. This variant has been seen where an alternate explanation for disease was also identified, suggesting this variant may not cause disease. Computational tools predict that this variant is not damaging.